The following is an entry in ClinVar:

ClinVar aggregate classification (germline): Uncertain significance (1 of 4 stars; one submission).

Conditions:
Diffuse cerebral and cerebellar atrophy - intractable seizures - progressive microcephaly syndrome. Also called: Microcephaly, progressive, with seizures and cerebral and cerebellar atrophy. Identifiers: Orphanet 404437, MedGen C4014239, MONDO:0014335, OMIM 615760.

gnomAD v4.1: 2 of 1,614,186 alleles (0.00012%); highest among the groups gnomAD compares: Non-Finnish European, 0.00017%; no homozygotes.

Submission:

Labcorp Genetics (formerly Invitae), Labcorp
Classification: Uncertain significance for Diffuse cerebral and cerebellar atrophy - intractable seizures - progressive microcephaly syndrome. Last evaluated: 2019-09-28. Review status: criteria provided, single submitter. Criteria: Invitae Variant Classification Sherloc (09022015). Collection method: clinical testing. Allele origin: germline.
Comment: This variant is not present in population databases (ExAC no frequency). This sequence change replaces histidine with proline at codon 698 of the QARS protein (p.His698Pro). The histidine residue is highly conserved and there is a moderate physicochemical difference between histidine and proline. This variant has not been reported in the literature in individuals with QARS-related conditions. In summary, the available evidence is currently insufficient to determine the role of this variant in disease. Therefore, it has been classified as a Variant of Uncertain Significance. Algorithms developed to predict the effect of missense changes on protein structure and function are either unavailable or do not agree on the potential impact of this missense change (SIFT: "Tolerated"; PolyPhen-2: "Probably Damaging"; Align-GVGD: "Class C0").

NM_005051.3(QARS1):c.2093A>C (p.His698Pro)

Gene: QARS1 (glutaminyl-tRNA synthetase 1; minus strand). Cytogenetic location: 3p21.31.
Variant type: single nucleotide variant.
Coding change: c.2093A>C on transcript NM_005051.3 (MANE Select); coding-DNA position 2093, A replaced by C.
Protein change: p.His698Pro; replaces histidine 698 with proline.
Molecular consequence: missense variant. On other transcripts: non-coding transcript variant (1).
Genome position (GRCh38, 1-based): chr3:49,098,250, T>G on the plus strand (A>C on the coding strand, the complement: QARS1 is on the minus strand). VCF-style: chr3-49098250-T-G. GRCh37 (hg19) VCF-style: chr3-49135683-T-G.
Other names: c.2060A>C, p.His687Pro (NM_001272073.2); short protein forms H698P, H687P.
Identifiers: ClinVar variation 956112 (VCV000956112.6), dbSNP rs2042417727, ClinGen allele CA352698528.
Genomic context (GRCh38, chr3:49,098,250, plus strand): 5'-ACCAGGTTCAGGTCACTTAAAAATCCACCAGGCACCTCAGTAGGATCTTCAGGGTTCTTG[T>G]GCTGGAATCTGCAGCCAAAGTGAAGGTCATACCCCCAGCTGGGCAGCCATAGCAGGCAAT-3'
Protein context (NP_005042.1, residues 688-708): EVRLYERLFQ[His698Pro]KNPEDPTEVP